The following is an entry in ClinVar:

ClinVar aggregate classification (germline): Uncertain significance. Review status: criteria provided, multiple submitters, no conflicts (2 of 4 stars). 4 submissions from 4 submitters: Uncertain significance (4). Last evaluated 2025-12-03.

Conditions:
Hereditary cancer-predisposing syndrome. Also called: Neoplastic Syndromes, Hereditary; Hereditary Cancer Syndrome; Tumor predisposition; Hereditary neoplastic syndrome. Identifiers: Orphanet 140162, MedGen C0027672, MeSH D009386, MONDO:0015356.

gnomAD v4.1: 1 of 1,614,024 alleles (0.000062%); highest among the groups gnomAD compares: Non-Finnish European, 0.000085%; no homozygotes.

Submissions (4):

Labcorp Genetics (formerly Invitae), Labcorp
Classification: Uncertain significance. Last evaluated: 2025-12-03. Review status: criteria provided, single submitter. Criteria: Invitae Variant Classification Sherloc (09022015). Collection method: clinical testing. Allele origin: germline.
Comment: This sequence change replaces isoleucine, which is neutral and non-polar, with valine, which is neutral and non-polar, at codon 1082 of the MSH3 protein (p.Ile1082Val). This variant is not present in population databases (gnomAD no frequency). This variant has not been reported in the literature in individuals affected with MSH3-related conditions. ClinVar contains an entry for this variant (Variation ID: 970533). An algorithm developed to predict the effect of missense changes on protein structure and function outputs the following: PolyPhen-2: "Benign". The valine amino acid residue is found in multiple mammalian species, which suggests that this missense change does not adversely affect protein function. In summary, the available evidence is currently insufficient to determine the role of this variant in disease. Therefore, it has been classified as a Variant of Uncertain Significance.

Ambry Genetics
Classification: Uncertain significance for Hereditary cancer-predisposing syndrome. Last evaluated: 2025-06-03. Review status: criteria provided, single submitter. Criteria: Ambry Variant Classification Scheme 2023. Collection method: clinical testing. Allele origin: germline.
Comment: The p.I1082V variant (also known as c.3244A>G), located in coding exon 23 of the MSH3 gene, results from an A to G substitution at nucleotide position 3244. The isoleucine at codon 1082 is replaced by valine, an amino acid with highly similar properties. This amino acid position is well conserved in available vertebrate species; however, valine is the reference amino acid in other vertebrate species. In addition, this alteration is predicted to be tolerated by in silico analysis. Based on the available evidence, the clinical significance of this variant remains unclear.

Quest Diagnostics Nichols Institute San Juan Capistrano
Classification: Uncertain significance. Last evaluated: 2025-05-19. Review status: criteria provided, single submitter. Criteria: Quest Diagnostics criteria. Collection method: clinical testing. Allele origin: unknown.
Comment: The MSH3 c.3244A>G (p.Ile1082Val) variant has not been reported in individuals with MSH3-related conditions in the published literature. It also has not been reported in large, multi-ethnic general populations (Genome Aggregation Database). Analysis of this variant using bioinformatics tools for the prediction of the effect of amino acid changes on protein structure and function yielded predictions that this variant is benign. Based on the available information, we are unable to determine the clinical significance of this variant.

Mendelics
Classification: Uncertain significance. Last evaluated: 2022-05-04. Review status: criteria provided, single submitter. Criteria: Mendelics Assertion Criteria 2019. Collection method: clinical testing. Allele origin: germline.

NM_002439.5(MSH3):c.3244A>G (p.Ile1082Val)

Gene: MSH3 (mutS homolog 3; plus strand). Cytogenetic location: 5q14.1.
Variant type: single nucleotide variant.
Coding change: c.3244A>G on transcript NM_002439.5 (MANE Select); coding-DNA position 3244, A replaced by G.
Protein change: p.Ile1082Val; replaces isoleucine 1082 with valine.
Molecular consequence: missense variant.
Genome position (GRCh38, 1-based): chr5:80,873,229, A>G. VCF-style: chr5-80873229-A-G. GRCh37 (hg19) VCF-style: chr5-80169048-A-G.
Other names: c.3244A>G (NM_002439.3); short protein forms I1082V.
Identifiers: ClinVar variation 970533 (VCV000970533.13), dbSNP rs1746252809, ClinGen allele CA360347016.